The following is an entry in ClinVar:

ClinVar aggregate classification (germline): Uncertain significance (1 of 4 stars; one submission).

Submission:

Labcorp Genetics (formerly Invitae), Labcorp
Classification: Uncertain significance. Last evaluated: 2024-01-11. Review status: criteria provided, single submitter. Criteria: Invitae Variant Classification Sherloc (09022015). Collection method: clinical testing. Allele origin: germline.
Comment: This variant, c.292_294del, results in the deletion of 1 amino acid(s) of the CD151 protein (p.Leu98del), but otherwise preserves the integrity of the reading frame. This variant is not present in population databases (gnomAD no frequency). This variant has not been reported in the literature in individuals affected with CD151-related conditions. Experimental studies and prediction algorithms are not available or were not evaluated, and the functional significance of this variant is currently unknown. In summary, the available evidence is currently insufficient to determine the role of this variant in disease. Therefore, it has been classified as a Variant of Uncertain Significance.

NM_004357.5(CD151):c.289CTC[1] (p.Leu98del)

Gene: CD151 (CD151 molecule (Raph blood group); plus strand). Cytogenetic location: 11p15.5.
Variant type: Microsatellite.
Coding change: c.289CTC[1] on transcript NM_004357.5 (MANE Select); one copy of the 3-base unit CTC starting at c.289; the reference has two copies in a row; one copy, 3 bases deleted.
Protein change: p.Leu98del; deletes leucine 98.
Molecular consequence: inframe deletion.
Genome position (GRCh38, 1-based): chr11:836,784-836,786, CTC deleted; deleting any 3 consecutive bases within chr11:836,781-836,786 gives the same sequence; the position shown is the placement nearest the transcript's 3' end. VCF-style (leftmost placement, unchanged base first): chr11-836780-GCTC-G. GRCh37 (hg19) VCF-style: chr11-836780-GCTC-G.
Other names: c.289CTC[1], p.Leu98del (NM_001039490.2, NM_139029.2, NM_139030.4); short protein forms L98del.
Identifiers: ClinVar variation 2982024 (VCV002982024.3), dbSNP rs762974959, ClinGen allele CA5792142.